The following is an entry in ClinVar:

ClinVar aggregate classification (germline): Conflicting classifications of pathogenicity. Review status: criteria provided, conflicting classifications (1 of 4 stars). 3 submissions from 3 submitters: Uncertain significance (2); Likely benign (1). Last evaluated 2024-07-13.

Conditions:
Hereditary cancer-predisposing syndrome. Also called: Neoplastic Syndromes, Hereditary; Tumor predisposition; Hereditary Cancer Syndrome; Hereditary neoplastic syndrome. Identifiers: Orphanet 140162, MedGen C0027672, MeSH D009386, MONDO:0015356.
Hereditary breast ovarian cancer syndrome. Also called: Hereditary breast and ovarian cancer syndrome (HBOC); Hereditary breast and ovarian cancer; BRCA1- and BRCA2-Associated Hereditary Breast and Ovarian Cancer; Hereditary breast and ovarian cancer syndrome; Breast and ovarian cancer; Hereditary breast and/or ovarian cancer syndrome. Identifiers: Orphanet 145, MedGen C0677776, MeSH D061325, MONDO:0003582. Disease mechanism: loss of function.

Submissions (3):

Labcorp Genetics (formerly Invitae), Labcorp
Classification: Uncertain significance for Hereditary breast ovarian cancer syndrome. Last evaluated: 2024-07-13. Review status: criteria provided, single submitter. Criteria: Invitae Variant Classification Sherloc (09022015). Collection method: clinical testing. Allele origin: germline.
Comment: This sequence change replaces glutamic acid, which is acidic and polar, with glutamine, which is neutral and polar, at codon 2275 of the BRCA2 protein (p.Glu2275Gln). This variant is not present in population databases (gnomAD no frequency). This variant has not been reported in the literature in individuals affected with BRCA2-related conditions. ClinVar contains an entry for this variant (Variation ID: 1755652). Advanced modeling of protein sequence and biophysical properties (such as structural, functional, and spatial information, amino acid conservation, physicochemical variation, residue mobility, and thermodynamic stability) performed at Invitae indicates that this missense variant is not expected to disrupt BRCA2 protein function with a negative predictive value of 95%. In summary, the available evidence is currently insufficient to determine the role of this variant in disease. Therefore, it has been classified as a Variant of Uncertain Significance.

Ambry Genetics
Classification: Uncertain significance for Hereditary cancer-predisposing syndrome. Last evaluated: 2023-07-24. Review status: criteria provided, single submitter. Criteria: Ambry Variant Classification Scheme 2023. Collection method: clinical testing. Allele origin: germline.
Comment: The p.E2275Q variant (also known as c.6823G>C), located in coding exon 10 of the BRCA2 gene, results from a G to C substitution at nucleotide position 6823. The glutamic acid at codon 2275 is replaced by glutamine, an amino acid with highly similar properties. This amino acid position is not well conserved in available vertebrate species. In addition, this alteration is predicted to be tolerated by in silico analysis. Since supporting evidence is limited at this time, the clinical significance of this alteration remains unclear.

University of Washington Department of Laboratory Medicine, University of Washington
Classification: Likely benign for Hereditary cancer-predisposing syndrome. Last evaluated: 2023-03-23. Review status: criteria provided, single submitter. Criteria: Dines et al. (Genet Med. 2020). Collection method: curation. Allele origin: germline.
Comment: Missense variant in a coldspot region where missense variants are very unlikely to be pathogenic (PMID:31911673).

BRCA2 exon 11 coldspot. Reclassification based on statistical prior probability.

NM_000059.4(BRCA2):c.6823G>C (p.Glu2275Gln)

Gene: BRCA2 (BRCA2 DNA repair associated; plus strand). Cytogenetic location: 13q13.1.
Variant type: single nucleotide variant.
Coding change: c.6823G>C on transcript NM_000059.4 (MANE Select); coding-DNA position 6823, G replaced by C.
Protein change: p.Glu2275Gln; replaces glutamic acid 2275 with glutamine.
Molecular consequence: missense variant.
Genome position (GRCh38, 1-based): chr13:32,341,178, G>C. VCF-style: chr13-32341178-G-C. GRCh37 (hg19) VCF-style: chr13-32915315-G-C.
Other names: c.6823G>C, p.Glu2275Gln (NM_001406719.1, NM_001406720.1); short protein forms E2275Q.
Identifiers: ClinVar variation 1755652 (VCV001755652.10), dbSNP rs587782362, ClinGen allele CA387791443.